The following is an entry in ClinVar:

NM_001374736.1(DST):c.4475+3T>C

Gene: DST (dystonin; minus strand). Cytogenetic location: 6p12.1.
Variant type: single nucleotide variant.
Coding change: c.4475+3T>C on transcript NM_001374736.1 (MANE Select); 3 bases into the intron after coding-DNA position 4475, T replaced by C.
Molecular consequence: intron variant.
Genome position (GRCh38, 1-based): chr6:56,629,247, A>G on the plus strand (T>C on the coding strand, the complement: DST is on the minus strand). VCF-style: chr6-56629247-A-G. GRCh37 (hg19) VCF-style: chr6-56494045-A-G.
Other names: c.4376+3T>C (NM_001144769.5); c.4475+3T>C (NM_001374722.1); c.4502+3T>C (NM_001374734.1); c.3962+3T>C (NM_001144770.2); c.3842+3T>C (NM_001374730.1, NM_001386100.1, NM_183380.4 and 1 more transcripts); c.2864+3T>C (NM_015548.5, NM_001723.7).
Identifiers: ClinVar variation 1502793 (VCV001502793.8), dbSNP rs1158493743, ClinGen allele CA567638581.

ClinVar aggregate classification (germline): Uncertain significance (1 of 4 stars; one submission).

Conditions:
Hereditary sensory and autonomic neuropathy type 6. Also called: Neuropathy, hereditary sensory and autonomic, type VI; HSAN VI. Identifiers: Orphanet 314381, MedGen C3539003, MONDO:0013839, OMIM 614653.
Epidermolysis bullosa simplex 3, localized or generalized intermediate, with BP230 deficiency (EBS3). Also called: Epidermolysis bullosa simplex due to BP230 deficiency; Epidermolysis bullosa simplex, autosomal recessive 2. Identifiers: Orphanet 412181, MedGen C3809470, MONDO:0014180, OMIM 615425.

Allele frequency attached by ClinVar (database versions not stated): gnomAD exomes below 0.00001; TOPMed below 0.00001; gnomAD 0.00001.
gnomAD v4.1: 4 of 1,613,424 alleles (0.00025%); highest among the groups gnomAD compares: Admixed American, 0.0017%; no homozygotes.

Submission:

Labcorp Genetics (formerly Invitae), Labcorp
Classification: Uncertain significance for Epidermolysis bullosa simplex 3, localized or generalized intermediate, with BP230 deficiency; Hereditary sensory and autonomic neuropathy type 6. Last evaluated: 2021-06-14. Review status: criteria provided, single submitter. Criteria: Invitae Variant Classification Sherloc (09022015). Collection method: clinical testing. Allele origin: germline.
Comment: In summary, the available evidence is currently insufficient to determine the role of this variant in disease. Therefore, it has been classified as a Variant of Uncertain Significance. Nucleotide substitutions within the consensus splice site are a relatively common cause of aberrant splicing (PMID: 17576681, 9536098). Algorithms developed to predict the effect of sequence changes on RNA splicing suggest that this variant is not likely to affect RNA splicing, but this prediction has not been confirmed by published transcriptional studies. This variant has not been reported in the literature in individuals with DST-related conditions. This variant is not present in population databases (ExAC no frequency). This sequence change falls in intron 18 of the DST gene. It does not directly change the encoded amino acid sequence of the DST protein. It affects a nucleotide within the consensus splice site of the intron.

Literature cited by the submitters: PubMed 17576681; PubMed 9536098.